The following is an entry in ClinVar:

ClinVar aggregate classification (germline): Uncertain significance (1 of 4 stars; one submission).

Conditions:
Hereditary cancer-predisposing syndrome. Also called: Neoplastic Syndromes, Hereditary; Tumor predisposition; Hereditary Cancer Syndrome; Hereditary neoplastic syndrome. Identifiers: Orphanet 140162, MedGen C0027672, MeSH D009386, MONDO:0015356.

Submission:

Ambry Genetics
Classification: Uncertain significance for Hereditary cancer-predisposing syndrome. Last evaluated: 2022-08-04. Review status: criteria provided, single submitter. Criteria: Ambry Variant Classification Scheme 2023. Collection method: clinical testing. Allele origin: germline.
Comment: The p.E284V variant (also known as c.851A>T), located in coding exon 4 of the RET gene, results from an A to T substitution at nucleotide position 851. The glutamic acid at codon 284 is replaced by valine, an amino acid with dissimilar properties. This amino acid position is conserved. In addition, this alteration is predicted to be tolerated by in silico analysis. Since supporting evidence is limited at this time, the clinical significance of this alteration remains unclear.

NM_020975.6(RET):c.851A>T (p.Glu284Val)

Gene: RET (ret proto-oncogene; plus strand). Cytogenetic location: 10q11.21.
Variant type: single nucleotide variant.
Coding change: c.851A>T on transcript NM_020975.6 (MANE Select); coding-DNA position 851, A replaced by T.
Protein change: p.Glu284Val; replaces glutamic acid 284 with valine.
Molecular consequence: missense variant.
Genome position (GRCh38, 1-based): chr10:43,105,177, A>T. VCF-style: chr10-43105177-A-T. GRCh37 (hg19) VCF-style: chr10-43600625-A-T.
Other names: c.851A>T, p.Glu284Val (NM_000323.2, NM_001406743.1, NM_001406744.1 and 8 more transcripts); c.89A>T, p.Glu30Val (NM_001355216.2); c.722A>T, p.Glu241Val (NM_001406761.1, NM_001406762.1, NM_001406764.1 and 2 more transcripts); c.563A>T, p.Glu188Val (NM_001406766.1, NM_001406767.1, NM_001406770.1); short protein forms E188V, E241V, E284V, E30V.
Identifiers: ClinVar variation 1763705 (VCV001763705.2), dbSNP rs2538390904, ClinGen allele CA376545362.
Genomic context (GRCh38, chr10:43,105,177, plus strand): 5'-ACGAGGACGACTCGGCGCCCACCTTCCCCGCGGGCGTCGACACCGCCAGCGCCGTGGTGG[A>T]GTTCAAGCGGAAGGAGGTGCTTGTCCGCGCGTGCTGTGGTCTACCCAGTGTCTGTCTCCG-3'
Protein context (NP_066124.1, residues 274-294): AGVDTASAVV[Glu284Val]FKRKEDTVVA